The following is an entry in ClinVar:

NM_020832.3(ZNF687):c.2042A>G (p.Gln681Arg)

Gene: ZNF687 (zinc finger protein 687; plus strand). Cytogenetic location: 1q21.3.
Variant type: single nucleotide variant.
Coding change: c.2042A>G on transcript NM_020832.3 (MANE Select); coding-DNA position 2042, A replaced by G.
Protein change: p.Gln681Arg; replaces glutamine 681 with arginine.
Molecular consequence: missense variant.
Genome position (GRCh38, 1-based): chr1:151,288,333, A>G. VCF-style: chr1-151288333-A-G. GRCh37 (hg19) VCF-style: chr1-151260809-A-G.
Other names: c.2042A>G, p.Gln681Arg (NM_001304763.2, NM_001304764.2); short protein forms Q681R.
Identifiers: ClinVar variation 2978699 (VCV002978699.3), dbSNP rs766205509, ClinGen allele CA1088445.

ClinVar aggregate classification (germline): Uncertain significance (1 of 4 stars; one submission).

Allele frequency attached by ClinVar (database versions not stated): gnomAD exomes 0.00004; gnomAD 0.00001; ExAC 0.00001.
gnomAD v4.1: 52 of 1,611,850 alleles (0.0032%); highest among the groups gnomAD compares: Non-Finnish European, 0.0044%; no homozygotes.

Submission:

Labcorp Genetics (formerly Invitae), Labcorp
Classification: Uncertain significance. Last evaluated: 2025-05-19. Review status: criteria provided, single submitter. Criteria: Invitae Variant Classification Sherloc (09022015). Collection method: clinical testing. Allele origin: germline.
Comment: This sequence change replaces glutamine, which is neutral and polar, with arginine, which is basic and polar, at codon 681 of the ZNF687 protein (p.Gln681Arg). This variant is present in population databases (rs766205509, gnomAD 0.002%). This variant has not been reported in the literature in individuals affected with ZNF687-related conditions. ClinVar contains an entry for this variant (Variation ID: 2978699). An algorithm developed to predict the effect of missense changes on protein structure and function (PolyPhen-2) suggests that this variant is likely to be disruptive. In summary, the available evidence is currently insufficient to determine the role of this variant in disease. Therefore, it has been classified as a Variant of Uncertain Significance.